The following is an entry in ClinVar:

NM_001267550.2(TTN):c.101833A>G (p.Ile33945Val)

Genes: TTN-AS1 (TTN antisense RNA 1; plus strand), TTN (titin; minus strand). Cytogenetic location: 2q31.2.
Variant type: single nucleotide variant.
Coding change: c.101833A>G on transcript NM_001267550.2 (MANE Select); coding-DNA position 101833, A replaced by G.
Protein change: p.Ile33945Val; replaces isoleucine 33945 with valine.
Molecular consequence: missense variant.
Genome position (GRCh38, 1-based): chr2:178,534,782, T>C on the plus strand (A>G on the coding strand, the complement: TTN is on the minus strand). VCF-style: chr2-178534782-T-C. GRCh37 (hg19) VCF-style: chr2-179399509-T-C.
Other names: c.96910A>G, p.Ile32304Val (NM_001256850.1); c.74638A>G, p.Ile24880Val (NM_003319.4); c.94129A>G, p.Ile31377Val (NM_133378.4); c.75013A>G, p.Ile25005Val (NM_133432.3); c.75214A>G, p.Ile25072Val (NM_133437.4); short protein forms I25005V, I24880V, I32304V, I33945V, I25072V, I31377V.
Identifiers: ClinVar variation 2156290 (VCV002156290.5), dbSNP rs1356126685, ClinGen allele CA349419274.

ClinVar aggregate classification (germline): Uncertain significance. Review status: criteria provided, multiple submitters, no conflicts (2 of 4 stars). 2 submissions from 2 submitters: Uncertain significance (2). Last evaluated 2024-07-16.

Conditions:
Autosomal recessive limb-girdle muscular dystrophy type 2J (LGMDR10). Also called: MUSCULAR DYSTROPHY, LIMB-GIRDLE, AUTOSOMAL RECESSIVE 10; Limb-girdle muscular dystrophy, type 2J. Identifiers: Orphanet 140922, MedGen C1837342, MONDO:0012127, OMIM 608807.
Dilated cardiomyopathy 1G (CMD1G). Identifiers: Orphanet 154, MedGen C1858763, MONDO:0011400, OMIM 604145.

Allele frequency attached by ClinVar (database versions not stated): TOPMed below 0.00001; gnomAD exomes 0.00001.
gnomAD v4.1: 4 of 1,613,052 alleles (0.00025%); highest among the groups gnomAD compares: Admixed American, 0.0017%; no homozygotes.

Submissions (2):

Labcorp Genetics (formerly Invitae), Labcorp
Classification: Uncertain significance for Dilated cardiomyopathy 1G; Autosomal recessive limb-girdle muscular dystrophy type 2J. Last evaluated: 2024-07-16. Review status: criteria provided, single submitter. Criteria: Invitae Variant Classification Sherloc (09022015). Collection method: clinical testing. Allele origin: germline.
Comment: This sequence change replaces isoleucine, which is neutral and non-polar, with valine, which is neutral and non-polar, at codon 33945 of the TTN protein (p.Ile33945Val). This variant is present in population databases (no rsID available, gnomAD 0.003%). This variant has not been reported in the literature in individuals affected with TTN-related conditions. ClinVar contains an entry for this variant (Variation ID: 2156290). Experimental studies and prediction algorithms are not available or were not evaluated, and the functional significance of this variant is currently unknown. This variant is located in the M band of TTN (PMID: 25589632). Non-truncating variants in this region may be relevant for neuromuscular disorders, but have not been definitively shown to cause cardiomyopathy (PMID: 23975875). In summary, the available evidence is currently insufficient to determine the role of this variant in disease. Therefore, it has been classified as a Variant of Uncertain Significance.

GeneDx
Classification: Uncertain significance. Last evaluated: 2024-05-08. Review status: criteria provided, single submitter. Criteria: GeneDx Variant Classification Process June 2021. Collection method: clinical testing. Allele origin: germline. Affected: yes.
Comment: Not observed at significant frequency in large population cohorts (gnomAD); Missense variant in a gene in which most reported pathogenic variants are truncating/loss of function; Has not been previously published as pathogenic or benign to our knowledge

Literature cited by the submitters: PubMed 25589632 (cited by Labcorp Genetics (formerly Invitae), Labcorp); PubMed 23975875 (cited by Labcorp Genetics (formerly Invitae), Labcorp).